The following is an entry in ClinVar:

ClinVar aggregate classification (germline): Pathogenic/Likely pathogenic. Review status: criteria provided, multiple submitters, no conflicts (2 of 4 stars). 5 submissions from 5 submitters: Pathogenic (2); Likely pathogenic (2). 1 of the submissions does not count toward it. Last evaluated 2025-12-16.

Conditions:
XPC-related disorder. Also called: XPC-related condition.
Xeroderma pigmentosum, group C (XPC). Also called: Xeroderma pigmentosum, complementation group C; XPC-Related Xeroderma Pigmentosum; XERODERMA PIGMENTOSUM III; XP, GROUP C. Identifiers: Orphanet 910, MedGen C2752147, MONDO:0010211, OMIM 278720.

Allele frequency attached by ClinVar (database versions not stated): gnomAD 0.00001; TOPMed 0.00001.

Submissions (5):

Labcorp Genetics (formerly Invitae), Labcorp
Classification: Pathogenic. Last evaluated: 2025-12-16. Review status: criteria provided, single submitter. Criteria: Invitae Variant Classification Sherloc (09022015). Collection method: clinical testing. Allele origin: germline.
Comment: This sequence change affects a donor splice site in intron 6 of the XPC gene. It is expected to disrupt RNA splicing. Variants that disrupt the donor or acceptor splice site typically lead to a loss of protein function (PMID: 16199547), and loss-of-function variants in XPC are known to be pathogenic (PMID: 23173980, 25256075). This variant is not present in population databases (gnomAD no frequency). Disruption of this splice site has been observed in individuals with xeroderma pigmentosum (PMID: 23984341; internal data). ClinVar contains an entry for this variant (Variation ID: 554889). Algorithms developed to predict the effect of sequence changes on RNA splicing suggest that this variant may disrupt the consensus splice site. For these reasons, this variant has been classified as Pathogenic.

Baylor Genetics
Classification: Likely pathogenic for Xeroderma pigmentosum, group C. Last evaluated: 2023-12-27. Review status: criteria provided, single submitter. Criteria: ACMG Guidelines, 2015. Collection method: clinical testing. Allele origin: unknown.

GeneDx
Classification: Pathogenic. Last evaluated: 2022-08-18. Review status: criteria provided, single submitter. Criteria: GeneDx Variant Classification Process June 2021. Collection method: clinical testing. Allele origin: germline. Affected: yes.
Comment: Canonical splice site variant predicted to result in a null allele in a gene for which loss of function is a known mechanism of disease; Not observed at significant frequency in large population cohorts (gnomAD); Has not been previously published as pathogenic or benign to our knowledge

Blueprint Genetics
Classification: Likely pathogenic for XPC-related disorders. Last evaluated: 2019-12-10. Review status: criteria provided, single submitter. Criteria: ACMG Guidelines, 2015. Collection method: clinical testing. Allele origin: germline. Affected: yes. Observed: 1 variant allele.

Counsyl
Classification: Likely pathogenic for Xeroderma pigmentosum, group C. Last evaluated: 2017-11-08. Review status: no assertion criteria provided. Collection method: clinical testing. Allele origin: unknown. Not counted in ClinVar's aggregate classification.

Literature cited by the submitters: PubMed 16199547 (cited by Labcorp Genetics (formerly Invitae), Labcorp); PubMed 23173980 (cited by Labcorp Genetics (formerly Invitae), Labcorp); PubMed 25256075 (cited by Labcorp Genetics (formerly Invitae), Labcorp); PubMed 23984341 (cited by Labcorp Genetics (formerly Invitae), Labcorp).

NM_004628.5(XPC):c.779+1G>T

Gene: XPC (XPC complex subunit, DNA damage recognition and repair factor; minus strand). Cytogenetic location: 3p25.1.
Variant type: single nucleotide variant.
Coding change: c.779+1G>T on transcript NM_004628.5 (MANE Select); the canonical splice donor site of the intron after coding-DNA position 779, G replaced by T.
Molecular consequence: splice donor variant.
Genome position (GRCh38, 1-based): chr3:14,165,427, C>A on the plus strand (G>T on the coding strand, the complement: XPC is on the minus strand). VCF-style: chr3-14165427-C-A. GRCh37 (hg19) VCF-style: chr3-14206927-C-A.
Other names: c.761+1G>T (NM_001354729.2); c.200+1G>T (NM_001354726.2); c.779+1G>T (NM_001354730.2, NM_001354727.2).
Identifiers: ClinVar variation 554889 (VCV000554889.15), dbSNP rs975121308, ClinGen allele CA69758666.